The following is an entry in ClinVar:

ClinVar aggregate classification (germline): Uncertain significance (1 of 4 stars; one submission).

Conditions:
F11-related disorder. Also called: F11-related condition.

Allele frequency attached by ClinVar (database versions not stated): ExAC 0.00001.
gnomAD v4.1: 3 of 1,614,226 alleles (0.00019%); highest among the groups gnomAD compares: Admixed American, 0.005%; no homozygotes.

Submission:

PreventionGenetics, part of Exact Sciences
Classification: Uncertain significance for F11-related condition. Last evaluated: 2026-08-27. Review status: criteria provided, single submitter. Criteria: ACMG Guidelines, 2015. Collection method: clinical testing. Allele origin: germline.
Comment: The F11 c.1207G>T variant is predicted to result in the amino acid substitution p.Val403Leu. To our knowledge, this variant has not been reported in the literature. An alternate missense change at the same amino acid position (p.Val403Met) has/have been reported in an individual affected with factor XI deficiency (Dai et al. 2011. PubMed ID: 21457405). This variant is reported in 0.0087% of alleles in individuals of Latino descent in gnomAD. At this time, the clinical significance of the p.Val403Leu variant is uncertain due to the absence of conclusive functional and genetic evidence.

NM_000128.4(F11):c.1207G>T (p.Val403Leu)

Gene: F11 (coagulation factor XI; plus strand). Cytogenetic location: 4q35.2.
Variant type: single nucleotide variant.
Coding change: c.1207G>T on transcript NM_000128.4 (MANE Select); coding-DNA position 1207, G replaced by T.
Protein change: p.Val403Leu; replaces valine 403 with leucine.
Molecular consequence: missense variant.
Genome position (GRCh38, 1-based): chr4:186,284,163, G>T. VCF-style: chr4-186284163-G-T. GRCh37 (hg19) VCF-style: chr4-187205317-G-T.
Other names: short protein forms V403L.
Identifiers: ClinVar variation 2636355 (VCV002636355.2), dbSNP rs281875266, ClinGen allele CA3163921.